The following is an entry in ClinVar:

NM_000810.4(GABRA5):c.847C>T (p.Arg283Trp)

Gene: GABRA5 (gamma-aminobutyric acid type A receptor subunit alpha5; plus strand). Cytogenetic location: 15q12.
Variant type: single nucleotide variant.
Coding change: c.847C>T on transcript NM_000810.4 (MANE Select); coding-DNA position 847, C replaced by T.
Protein change: p.Arg283Trp; replaces arginine 283 with tryptophan.
Molecular consequence: missense variant.
Genome position (GRCh38, 1-based): chr15:26,940,047, C>T. VCF-style: chr15-26940047-C-T. GRCh37 (hg19) VCF-style: chr15-27185194-C-T.
Other names: c.847C>T (NM_001165037.1); c.847C>T, p.Arg283Trp (NM_001165037.2); short protein forms R283W.
Identifiers: ClinVar variation 1803652 (VCV001803652.4), dbSNP rs2504349769, ClinGen allele CA391460273.

ClinVar aggregate classification (germline): Uncertain significance. Review status: criteria provided, multiple submitters, no conflicts (2 of 4 stars). 3 submissions from 3 submitters: Uncertain significance (3). Last evaluated 2026-09-02.

Conditions:
Developmental and epileptic encephalopathy, 79. Also called: EPILEPTIC ENCEPHALOPATHY, EARLY INFANTILE, 79. Identifiers: MedGen C5231410, MONDO:0032813, OMIM 618559.
Seizure. Also called: Seizures. Identifiers: MedGen C0036572, HP:0001250.

Submissions (3):

Institute of Human Genetics, University of Leipzig Medical Center
Classification: Uncertain significance for Developmental and epileptic encephalopathy, 79. Last evaluated: 2026-09-02. Review status: criteria provided, single submitter. Criteria: ACMG Guidelines, 2015. Collection method: clinical testing. Allele origin: unknown. Inheritance: Autosomal dominant inheritance. Affected: yes.
Comment: Criteria applied: PM2,PP2,PP3

Cytogénomique, Hospices Civils de Lyon
Classification: Uncertain significance for Seizures. Last evaluated: 2024-03-29. Review status: criteria provided, single submitter. Criteria: ACMG Guidelines, 2015. Collection method: clinical testing. Allele origin: unknown. Affected: yes. Observed: 1 variant allele, 1 heterozygote.

GeneDx
Classification: Uncertain significance. Last evaluated: 2022-06-07. Review status: criteria provided, single submitter. Criteria: GeneDx Variant Classification Process June 2021. Collection method: clinical testing. Allele origin: germline. Affected: yes.
Comment: Not observed at significant frequency in large population cohorts (gnomAD); In silico analysis supports that this missense variant has a deleterious effect on protein structure/function; Has not been previously published as pathogenic or benign to our knowledge